The following is an entry in ClinVar:

ClinVar aggregate classification (germline): Uncertain significance. Review status: criteria provided, multiple submitters, no conflicts (2 of 4 stars). 3 submissions from 3 submitters: Uncertain significance (3). Last evaluated 2023-06-09.

Conditions:
Ataxia-telangiectasia syndrome (AT). Also called: Ataxia telangiectasia (A-T); LOUIS-BAR SYNDROME; Cerebello-oculocutaneous telangiectasia; Immunodeficiency with ataxia telangiectasia; Ataxia-telangiectasia, complementation group D; AT, COMPLEMENTATION GROUP C. Identifiers: Orphanet 100, MedGen C0004135, MONDO:0008840, OMIM 208900.
Hereditary cancer-predisposing syndrome. Also called: Hereditary neoplastic syndrome; Neoplastic Syndromes, Hereditary; Tumor predisposition; Hereditary Cancer Syndrome. Identifiers: Orphanet 140162, MedGen C0027672, MeSH D009386, MONDO:0015356.
Familial cancer of breast. Also called: Hereditary breast cancer; hereditary breast carcinoma; BREAST CANCER, FAMILIAL. Identifiers: Orphanet 227535, MedGen C0346153, MONDO:0016419, OMIM 114480. Disease mechanism: loss of function.

Submissions (3):

Baylor Genetics
Classification: Uncertain significance for Familial cancer of breast. Last evaluated: 2023-06-09. Review status: criteria provided, single submitter. Criteria: ACMG Guidelines, 2015. Collection method: clinical testing. Allele origin: unknown.

Labcorp Genetics (formerly Invitae), Labcorp
Classification: Uncertain significance for Ataxia-telangiectasia syndrome. Last evaluated: 2023-03-09. Review status: criteria provided, single submitter. Criteria: Invitae Variant Classification Sherloc (09022015). Collection method: clinical testing. Allele origin: germline.
Comment: An algorithm developed to predict the effect of missense changes on protein structure and function (PolyPhen-2) suggests that this variant is likely to be disruptive. ClinVar contains an entry for this variant (Variation ID: 1756080). This variant has not been reported in the literature in individuals affected with ATM-related conditions. This variant is not present in population databases (gnomAD no frequency). This sequence change replaces alanine, which is neutral and non-polar, with glutamic acid, which is acidic and polar, at codon 2301 of the ATM protein (p.Ala2301Glu). In summary, the available evidence is currently insufficient to determine the role of this variant in disease. Therefore, it has been classified as a Variant of Uncertain Significance.

Ambry Genetics
Classification: Uncertain significance for Hereditary cancer-predisposing syndrome. Last evaluated: 2020-11-02. Review status: criteria provided, single submitter. Criteria: Ambry Variant Classification Scheme 2023. Collection method: clinical testing. Allele origin: germline.
Comment: The p.A2301E variant (also known as c.6902C>A), located in coding exon 46 of the ATM gene, results from a C to A substitution at nucleotide position 6902. The alanine at codon 2301 is replaced by glutamic acid, an amino acid with dissimilar properties. This amino acid position is well conserved in available vertebrate species. In addition, this alteration is predicted to be deleterious by in silico analysis. Since supporting evidence is limited at this time, the clinical significance of this alteration remains unclear.

NM_000051.4(ATM):c.6902C>A (p.Ala2301Glu)

Genes: ATM (ATM serine/threonine kinase; plus strand), C11orf65 (chromosome 11 open reading frame 65; minus strand). Cytogenetic location: 11q22.3.
Variant type: single nucleotide variant.
Coding change: c.6902C>A on transcript NM_000051.4 (MANE Select); coding-DNA position 6902, C replaced by A.
Protein change: p.Ala2301Glu; replaces alanine 2301 with glutamic acid.
Molecular consequence: missense variant. On other transcripts: intron variant (2).
Genome position (GRCh38, 1-based): chr11:108,326,152, C>A. VCF-style: chr11-108326152-C-A. GRCh37 (hg19) VCF-style: chr11-108196879-C-A.
Other names: c.6902C>A, p.Ala2301Glu (NM_001351834.2); c.641-17081G>T (NM_001330368.2); c.*38+9068G>T (NM_001351110.2); short protein forms A2301E.
Identifiers: ClinVar variation 1756080 (VCV001756080.6), dbSNP rs2547217485, ClinGen allele CA382556964.
Genomic context (GRCh38, chr11:108,326,152, plus strand): 5'-ACAATTCAGTTAGCTGTGGAGTCTCTGAGTGGCAGCTGGAAGAAGCACAAGTATTCTGGG[C>A]AAAAAAGGAGCAGAGTCTTGCCCTGAGTATTCTCAAGCAAATGATCAAGAAGTTGGATGC-3'
Protein context (NP_000042.3, residues 2291-2311): WQLEEAQVFW[Ala2301Glu]KKEQSLALSI